The following is an entry in ClinVar:

ClinVar aggregate classification (germline): Uncertain significance (1 of 4 stars; one submission).

Allele frequency attached by ClinVar (database versions not stated): gnomAD 0.00001; TOPMed 0.00002; gnomAD exomes 0.00003.
gnomAD v4.1: 35 of 1,514,758 alleles (0.0023%); highest among the groups gnomAD compares: African/African-American, 0.0029%; no homozygotes.

Submission:

Labcorp Genetics (formerly Invitae), Labcorp
Classification: Uncertain significance. Last evaluated: 2023-02-20. Review status: criteria provided, single submitter. Criteria: Invitae Variant Classification Sherloc (09022015). Collection method: clinical testing. Allele origin: germline.
Comment: In summary, the available evidence is currently insufficient to determine the role of this variant in disease. Therefore, it has been classified as a Variant of Uncertain Significance. Variants that disrupt the consensus splice site are a relatively common cause of aberrant splicing (PMID: 17576681, 9536098). Algorithms developed to predict the effect of sequence changes on RNA splicing suggest that this variant may disrupt the consensus splice site. An algorithm developed to predict the effect of missense changes on protein structure and function (PolyPhen-2) suggests that this variant is likely to be disruptive. This variant has not been reported in the literature in individuals affected with C1QTNF5-related conditions. This variant is not present in population databases (gnomAD no frequency). This sequence change replaces glycine, which is neutral and non-polar, with arginine, which is basic and polar, at codon 72 of the C1QTNF5 protein (p.Gly72Arg). This variant also falls at the last nucleotide of exon 14, which is part of the consensus splice site for this exon.

Literature cited by the submitters: PubMed 17576681; PubMed 9536098.

NM_001278431.2(C1QTNF5):c.214G>A (p.Gly72Arg)

Genes: C1QTNF5 (C1q and TNF related 5; minus strand), MFRP (membrane frizzled-related protein; minus strand). Cytogenetic location: 11q23.3.
Variant type: single nucleotide variant.
Coding change: c.214G>A on transcript NM_001278431.2 (MANE Select); coding-DNA position 214, G replaced by A.
Protein change: p.Gly72Arg; replaces glycine 72 with arginine.
Molecular consequence: missense variant. On other transcripts: 3 prime UTR variant (1).
Genome position (GRCh38, 1-based): chr11:119,340,184, C>T on the plus strand (G>A on the coding strand, the complement: C1QTNF5 is on the minus strand). VCF-style: chr11-119340184-C-T. GRCh37 (hg19) VCF-style: chr11-119210894-C-T.
Other names: c.214G>A, p.Gly72Arg (NM_015645.5); c.*1110G>A (NM_031433.4); short protein forms G72R.
Identifiers: ClinVar variation 3000277 (VCV003000277.3), dbSNP rs1431216931, ClinGen allele CA382970207.